The following is an entry in ClinVar:

NM_001110556.2(FLNA):c.1924G>T (p.Glu642Ter)

Gene: FLNA (filamin A; minus strand). Cytogenetic location: Xq28.
Variant type: single nucleotide variant.
Coding change: c.1924G>T on transcript NM_001110556.2 (MANE Select); coding-DNA position 1924, G replaced by T.
Protein change: p.Glu642Ter; replaces glutamic acid 642 with a stop codon.
Molecular consequence: nonsense.
Genome position (GRCh38, 1-based): chrX:154,364,624, C>A on the plus strand (G>T on the coding strand, the complement: FLNA is on the minus strand). VCF-style: chrX-154364624-C-A. GRCh37 (hg19) VCF-style: chrX-153592992-C-A.
Other names: c.1924G>T, p.Glu642Ter (NM_001456.4); short protein forms E642*.
Identifiers: ClinVar variation 931351 (VCV000931351.4), dbSNP rs782178831, ClinGen allele CA415241613.

ClinVar aggregate classification (germline): Pathogenic/Likely pathogenic. Review status: criteria provided, multiple submitters, no conflicts (2 of 4 stars). 2 submissions from 2 submitters: Pathogenic (1); Likely pathogenic (1). Last evaluated 2020-03-18.

Conditions:
Cardiac valvular dysplasia, X-linked (CVDPX). Also called: Isolated X-Linked Cardiac Valvular Dysplasia; MYXOMATOUS VALVULAR DYSTROPHY, X-LINKED; VALVULAR HEART DISEASE, CONGENITAL; Congenital valvular dysplasia; FLNA-Related X-linked Cardiac Valvular Dysplasia. Identifiers: Orphanet 1864, Orphanet 555877, Orphanet 75497, MedGen C0262436, MONDO:0010753, OMIM 314400.
Heterotopia, periventricular, X-linked dominant (PVNH1). Also called: PERIVENTRICULAR NODULAR HETEROTOPIA 1; X-linked periventricular heterotopia; PERIVENTRICULAR NODULAR HETEROTOPIA 4; HETEROTOPIA, PERIVENTRICULAR, 1. Identifiers: Orphanet 2149, Orphanet 82004, MedGen C1848213, MONDO:0010233, OMIM 300049.

Submissions (2):

Centre for Mendelian Genomics, University Medical Centre Ljubljana
Classification: Likely pathogenic for Cardiac valvular dysplasia, X-linked. Last evaluated: 2020-03-18. Review status: criteria provided, single submitter. Criteria: ACMG Guidelines, 2015. Collection method: clinical testing. Allele origin: unknown. Affected: yes.
Comment: This variant was classified as: Likely pathogenic. The following ACMG criteria were applied in classifying this variant: PVS1,PM2.

Baylor Genetics
Classification: Pathogenic for Heterotopia, periventricular, X-linked dominant. Last evaluated: 2019-11-27. Review status: criteria provided, single submitter. Criteria: ACMG Guidelines, 2015. Collection method: clinical testing. Allele origin: unknown. Affected: yes.
Comment: This variant was determined to be pathogenic according to ACMG Guidelines, 2015 [PMID:25741868].